The following is an entry in ClinVar:

ClinVar aggregate classification (germline): Uncertain significance (1 of 4 stars; one submission).

gnomAD v4.1: 2 of 1,614,118 alleles (0.00012%); highest among the groups gnomAD compares: Non-Finnish European, 0.000085%; no homozygotes.

Submission:

Labcorp Genetics (formerly Invitae), Labcorp
Classification: Uncertain significance. Last evaluated: 2022-08-09. Review status: criteria provided, single submitter. Criteria: Invitae Variant Classification Sherloc (09022015). Collection method: clinical testing. Allele origin: germline.
Comment: In summary, the available evidence is currently insufficient to determine the role of this variant in disease. Therefore, it has been classified as a Variant of Uncertain Significance. Advanced modeling of protein sequence and biophysical properties (such as structural, functional, and spatial information, amino acid conservation, physicochemical variation, residue mobility, and thermodynamic stability) performed at Invitae indicates that this missense variant is not expected to disrupt CSF1R protein function. ClinVar contains an entry for this variant (Variation ID: 1346787). This variant has not been reported in the literature in individuals affected with CSF1R-related conditions. This variant is not present in population databases (gnomAD no frequency). This sequence change replaces asparagine, which is neutral and polar, with lysine, which is basic and polar, at codon 428 of the CSF1R protein (p.Asn428Lys).

NM_001288705.3(CSF1R):c.1284C>A (p.Asn428Lys)

Gene: CSF1R (colony stimulating factor 1 receptor; minus strand). Cytogenetic location: 5q32.
Variant type: single nucleotide variant.
Coding change: c.1284C>A on transcript NM_001288705.3 (MANE Select); coding-DNA position 1284, C replaced by A.
Protein change: p.Asn428Lys; replaces asparagine 428 with lysine.
Molecular consequence: missense variant. On other transcripts: non-coding transcript variant (2).
Genome position (GRCh38, 1-based): chr5:150,070,217, G>T on the plus strand (C>A on the coding strand, the complement: CSF1R is on the minus strand). VCF-style: chr5-150070217-G-T. GRCh37 (hg19) VCF-style: chr5-149449780-G-T.
Other names: c.1284C>A, p.Asn428Lys (NM_001349736.2, NM_001375320.1, NM_005211.4); c.840C>A, p.Asn280Lys (NM_001375321.1); short protein forms N280K, N428K.
Identifiers: ClinVar variation 1346787 (VCV001346787.8), dbSNP rs545534658, ClinGen allele CA361721367.